The following is an entry in ClinVar:

ClinVar aggregate classification (germline): Pathogenic/Likely pathogenic. Review status: criteria provided, multiple submitters, no conflicts (2 of 4 stars). 2 submissions from 2 submitters: Pathogenic (1); Likely pathogenic (1). Last evaluated 2025-07-17.

Conditions:
Intellectual disability. Also called: Intellectual developmental disorder; intellectual disabilities; Intellectual functioning disability. Identifiers: MedGen C3714756, MeSH D008607, MONDO:0001071, HP:0001249.

Submissions (2):

GeneDx
Classification: Pathogenic. Last evaluated: 2025-07-17. Review status: criteria provided, single submitter. Criteria: GeneDx Variant Classification Process June 2021. Collection method: clinical testing. Allele origin: germline.
Comment: Has not been previously published as pathogenic or benign to our knowledge; Frameshift variant predicted to result in protein truncation or nonsense mediated decay in a gene for which loss of function is a known mechanism of disease; Not observed at significant frequency in large population cohorts (gnomAD)

Cambridge Genomics Laboratory, East Genomic Laboratory Hub, NHS Genomic Medicine Service
Classification: Likely pathogenic for Intellectual disability. Last evaluated: 2020-03-07. Review status: criteria provided, single submitter. Criteria: ACGS Best Practice Guidelines for Variant Classification in Rare Disease 2020. Collection method: clinical testing. Allele origin: germline. Affected: yes. Observed: 1 variant allele.

NM_002024.6(FMR1):c.1062dup (p.His355fs)

Gene: FMR1 (fragile X messenger ribonucleoprotein 1; plus strand). Cytogenetic location: Xq27.3.
Variant type: Duplication.
Coding change: c.1062dup on transcript NM_002024.6 (MANE Select); coding-DNA position 1062, one base duplicated (A; older notation c.1062dupA).
Protein change: p.His355fs; shifts the reading frame from histidine 355.
Molecular consequence: frameshift variant. On other transcripts: non-coding transcript variant (2).
Genome position (GRCh38, 1-based): chrX:147,937,537, A duplicated; the last of 8 consecutive A bases (chrX:147,937,530-147,937,537); duplicating any one gives the same sequence. VCF-style (leftmost placement, unchanged base first): chrX-147937529-G-GA. GRCh37 (hg19) VCF-style: chrX-147019048-G-GA.
Other names: c.1062dup, p.His355fs (NM_001185075.2, NM_001185076.2, NM_001185081.2 and 1 more transcripts); short protein forms H355fs.
Identifiers: ClinVar variation 3730923 (VCV003730923.3).
Genomic context (GRCh38, chrX:147,937,529, plus strand): 5'-ATTATGCCACCAAATTCCCTTCCTTCCAATAATTCAAGGGTTGGACCTAATGCCCCAGAA[G>GA]AAAAAAAACATTTAGATATAAAGGAAAACAGCACCCATTTTTCTCAACCTAACAGTACAA-3'